The following is an entry in ClinVar:

ClinVar aggregate classification (germline): Uncertain significance (1 of 4 stars; one submission).

Conditions:
Autosomal dominant nocturnal frontal lobe epilepsy 5. Also called: Epilepsy, nocturnal frontal lobe, 5; CILIARY DYSKINESIA, PRIMARY, 28, WITHOUT SITUS INVERSUS; CILIARY DYSKINESIA, PRIMARY, 28, WITH SITUS INVERSUS; KCNT1-Related Epilepsy. Identifiers: Orphanet 98784, MedGen C3554306, MONDO:0014002, OMIM 615005.
Developmental and epileptic encephalopathy, 14 (DEE14). Also called: Early infantile epileptic encephalopathy 14. Identifiers: Orphanet 293181, MedGen C3554195, MONDO:0013989, OMIM 614959.

Allele frequency attached by ClinVar (database versions not stated): gnomAD exomes below 0.00001.
gnomAD v4.1: 2 of 1,612,794 alleles (0.00012%); highest among the groups gnomAD compares: African/African-American, 0.0013%; no homozygotes.

Submission:

Labcorp Genetics (formerly Invitae), Labcorp
Classification: Uncertain significance for Autosomal dominant nocturnal frontal lobe epilepsy 5; Developmental and epileptic encephalopathy, 14. Last evaluated: 2022-11-03. Review status: criteria provided, single submitter. Criteria: Invitae Variant Classification Sherloc (09022015). Collection method: clinical testing. Allele origin: germline.
Comment: This variant has not been reported in the literature in individuals affected with KCNT1-related conditions. In summary, the available evidence is currently insufficient to determine the role of this variant in disease. Therefore, it has been classified as a Variant of Uncertain Significance. Algorithms developed to predict the effect of missense changes on protein structure and function (SIFT, PolyPhen-2, Align-GVGD) all suggest that this variant is likely to be tolerated. This variant is not present in population databases (gnomAD no frequency). This sequence change replaces isoleucine, which is neutral and non-polar, with valine, which is neutral and non-polar, at codon 1038 of the KCNT1 protein (p.Ile1038Val).

NM_020822.3(KCNT1):c.3112A>G (p.Ile1038Val)

Gene: KCNT1 (potassium sodium-activated channel subfamily T member 1; plus strand). Cytogenetic location: 9q34.3.
Variant type: single nucleotide variant.
Coding change: c.3112A>G on transcript NM_020822.3 (MANE Select); coding-DNA position 3112, A replaced by G.
Protein change: p.Ile1038Val; replaces isoleucine 1038 with valine.
Molecular consequence: missense variant.
Genome position (GRCh38, 1-based): chr9:135,784,845, A>G. VCF-style: chr9-135784845-A-G. GRCh37 (hg19) VCF-style: chr9-138676691-A-G.
Other names: c.2977A>G, p.Ile993Val (NM_001272003.2); short protein forms I1038V, I993V.
Identifiers: ClinVar variation 2936732 (VCV002936732.3), dbSNP rs2491088169, ClinGen allele CA375518208.